The following is an entry in ClinVar:

NM_006904.7(PRKDC):c.3179T>A (p.Phe1060Tyr)

Gene: PRKDC (protein kinase, DNA-activated, catalytic subunit; minus strand). Cytogenetic location: 8q11.21.
Variant type: single nucleotide variant.
Coding change: c.3179T>A on transcript NM_006904.7 (MANE Select); coding-DNA position 3179, T replaced by A.
Protein change: p.Phe1060Tyr; replaces phenylalanine 1060 with tyrosine.
Molecular consequence: missense variant.
Genome position (GRCh38, 1-based): chr8:47,902,659, A>T on the plus strand (T>A on the coding strand, the complement: PRKDC is on the minus strand). VCF-style: chr8-47902659-A-T. GRCh37 (hg19) VCF-style: chr8-48815219-A-T.
Other names: c.3179T>A, p.Phe1060Tyr (NM_001081640.2); short protein forms F1060Y.
Identifiers: ClinVar variation 1728505 (VCV001728505.2), dbSNP rs2551875567, ClinGen allele CA371156812.

ClinVar aggregate classification (germline): Uncertain significance (1 of 4 stars; one submission).

Submission:

Ambry Genetics
Classification: Uncertain significance. Last evaluated: 2021-12-10. Review status: criteria provided, single submitter. Criteria: Ambry Variant Classification Scheme 2023. Collection method: clinical testing. Allele origin: germline.
Comment: The p.F1060Y variant (also known as c.3179T>A), located in coding exon 27 of the PRKDC gene, results from a T to A substitution at nucleotide position 3179. The phenylalanine at codon 1060 is replaced by tyrosine, an amino acid with highly similar properties. This amino acid position is conserved. In addition, the in silico prediction for this alteration is inconclusive. Since supporting evidence is limited at this time, the clinical significance of this alteration remains unclear.